The following is an entry in ClinVar:

NM_152703.5(SAMD9L):c.16T>C (p.Ser6Pro)

Gene: SAMD9L (sterile alpha motif domain containing 9 like; minus strand). Cytogenetic location: 7q21.2.
Variant type: single nucleotide variant.
Coding change: c.16T>C on transcript NM_152703.5 (MANE Select); coding-DNA position 16, T replaced by C.
Protein change: p.Ser6Pro; replaces serine 6 with proline.
Molecular consequence: missense variant.
Genome position (GRCh38, 1-based): chr7:93,135,956, A>G on the plus strand (T>C on the coding strand, the complement: SAMD9L is on the minus strand). VCF-style: chr7-93135956-A-G. GRCh37 (hg19) VCF-style: chr7-92765269-A-G.
Other names: c.16T>C, p.Ser6Pro (NM_001303496.3, NM_001303497.3, NM_001303498.3 and 5 more transcripts); short protein forms S6P.
Identifiers: ClinVar variation 1715232 (VCV001715232.5), dbSNP rs2535442183, ClinGen allele CA368207094.

ClinVar aggregate classification (germline): Uncertain significance (1 of 4 stars; one submission).

Submission:

Labcorp Genetics (formerly Invitae), Labcorp
Classification: Uncertain significance. Last evaluated: 2022-07-15. Review status: criteria provided, single submitter. Criteria: Invitae Variant Classification Sherloc (09022015). Collection method: clinical testing. Allele origin: germline.
Comment: In summary, the available evidence is currently insufficient to determine the role of this variant in disease. Therefore, it has been classified as a Variant of Uncertain Significance. Algorithms developed to predict the effect of missense changes on protein structure and function are either unavailable or do not agree on the potential impact of this missense change (SIFT: "Not Available"; PolyPhen-2: "Benign"; Align-GVGD: "Not Available"). This variant has not been reported in the literature in individuals affected with SAMD9L-related conditions. This variant is not present in population databases (gnomAD no frequency). This sequence change replaces serine, which is neutral and polar, with proline, which is neutral and non-polar, at codon 6 of the SAMD9L protein (p.Ser6Pro).